The following is an entry in ClinVar:

NM_006912.6(RIT1):c.260A>C (p.Asp87Ala)

Gene: RIT1 (Ras like without CAAX 1; minus strand). Cytogenetic location: 1q22.
Variant type: single nucleotide variant.
Coding change: c.260A>C on transcript NM_006912.6 (MANE Select); coding-DNA position 260, A replaced by C.
Protein change: p.Asp87Ala; replaces aspartic acid 87 with alanine.
Molecular consequence: missense variant.
Genome position (GRCh38, 1-based): chr1:155,904,480, T>G on the plus strand (A>C on the coding strand, the complement: RIT1 is on the minus strand). VCF-style: chr1-155904480-T-G. GRCh37 (hg19) VCF-style: chr1-155874271-T-G.
Other names: c.152A>C, p.Asp51Ala (NM_001256820.2); c.311A>C, p.Asp104Ala (NM_001256821.2); short protein forms D104A, D51A, D87A.
Identifiers: ClinVar variation 3633617 (VCV003633617.2).
Genomic context (GRCh38, chr1:155,904,480, plus strand): 5'-CTTCGACGATCCGTGATAGAGTAACAGATGATAAACCCTTCTCCTGCCCTCATATACTGG[T>G]CCCGCATGGCTGTAAACTCTGCCTAGAGGGAAACAAGGGTCATTATGTATTGACGCAATC-3'
Protein context (NP_008843.1, residues 77-97): AGQAEFTAMR[Asp87Ala]QYMRAGEGFI

ClinVar aggregate classification (germline): Likely pathogenic (1 of 4 stars; one submission).

Conditions:
Noonan syndrome 8 (NS8). Identifiers: Orphanet 648, MedGen C3809233, MONDO:0014143, OMIM 615355.

Submission:

Labcorp Genetics (formerly Invitae), Labcorp
Classification: Likely pathogenic for Noonan syndrome 8. Last evaluated: 2024-05-26. Review status: criteria provided, single submitter. Criteria: Invitae Variant Classification Sherloc (09022015). Collection method: clinical testing. Allele origin: germline.
Comment: This sequence change replaces aspartic acid, which is acidic and polar, with alanine, which is neutral and non-polar, at codon 87 of the RIT1 protein (p.Asp87Ala). This variant is not present in population databases (gnomAD no frequency). This variant has not been reported in the literature in individuals affected with RIT1-related conditions. Advanced modeling of protein sequence and biophysical properties (such as structural, functional, and spatial information, amino acid conservation, physicochemical variation, residue mobility, and thermodynamic stability) performed at Invitae indicates that this missense variant is expected to disrupt RIT1 protein function with a positive predictive value of 95%. This variant disrupts the p.Asp87 amino acid residue in RIT1. Other variant(s) that disrupt this residue have been determined to be pathogenic (PMID: 29402968; Invitae). This suggests that this residue is clinically significant, and that variants that disrupt this residue are likely to be disease-causing. In summary, the currently available evidence indicates that the variant is pathogenic, but additional data are needed to prove that conclusively. Therefore, this variant has been classified as Likely Pathogenic.

Literature cited by the submitters: PubMed 29402968.